The following is an entry in ClinVar:

NM_002519.3(NPAT):c.2462A>G (p.Asp821Gly)

Gene: NPAT (nuclear protein, coactivator of histone transcription; minus strand). Cytogenetic location: 11q22.3.
Variant type: single nucleotide variant.
Coding change: c.2462A>G on transcript NM_002519.3 (MANE Select); coding-DNA position 2462, A replaced by G.
Protein change: p.Asp821Gly; replaces aspartic acid 821 with glycine.
Molecular consequence: missense variant.
Genome position (GRCh38, 1-based): chr11:108,172,522, T>C on the plus strand (A>G on the coding strand, the complement: NPAT is on the minus strand). VCF-style: chr11-108172522-T-C. GRCh37 (hg19) VCF-style: chr11-108043249-T-C.
Other names: c.2462A>G, p.Asp821Gly (NM_001321307.1); short protein forms D821G.
Identifiers: ClinVar variation 1791647 (VCV001791647.2), dbSNP rs746211056, ClinGen allele CA6263808.
Genomic context (GRCh38, chr11:108,172,522, plus strand): 5'-GGTGTAACATTAGCTGAAAAAGCAATGCCATCTTCATTCTGAGTATTGTTTACTGCAGAG[T>C]CTTCAGATTTGAATGTTAAAAGACTCTGTTCCATTGAGGCTGAATCCCCTACTTCGGCAT-3'
Protein context (NP_002510.2, residues 811-831): EQSLLTFKSE[Asp821Gly]SAVNNTQNED

ClinVar aggregate classification (germline): Uncertain significance (1 of 4 stars; one submission).

Allele frequency attached by ClinVar (database versions not stated): gnomAD exomes below 0.00001; ExAC 0.00002.
gnomAD v4.1: 2 of 1,614,188 alleles (0.00012%); highest among the groups gnomAD compares: Non-Finnish European, 0.00017%; no homozygotes.

Submission:

Ambry Genetics
Classification: Uncertain significance. Last evaluated: 2022-05-07. Review status: criteria provided, single submitter. Criteria: Ambry Variant Classification Scheme 2023. Collection method: clinical testing. Allele origin: germline.
Comment: The p.D821G variant (also known as c.2462A>G), located in coding exon 13 of the NPAT gene, results from an A to G substitution at nucleotide position 2462. The aspartic acid at codon 821 is replaced by glycine, an amino acid with similar properties. This amino acid position is conserved. In addition, this alteration is predicted to be tolerated by in silico analysis. Since supporting evidence is limited at this time, the clinical significance of this alteration remains unclear.